The following is an entry in ClinVar:

NM_000020.3(ACVRL1):c.526-11C>T

Gene: ACVRL1 (activin A receptor like type 1; plus strand). Cytogenetic location: 12q13.13.
Variant type: single nucleotide variant.
Coding change: c.526-11C>T on transcript NM_000020.3 (MANE Select); 11 bases into the intron before coding-DNA position 526, C replaced by T.
Molecular consequence: intron variant.
Genome position (GRCh38, 1-based): chr12:51,913,963, C>T. VCF-style: chr12-51913963-C-T. GRCh37 (hg19) VCF-style: chr12-52307747-C-T.
Other names: c.526-11C>T (NM_001077401.2).
Identifiers: ClinVar variation 883000 (VCV000883000.7), dbSNP rs573934792, ClinGen allele CA6572929.

ClinVar aggregate classification (germline): Benign/Likely benign. Review status: criteria provided, multiple submitters, no conflicts (2 of 4 stars). 2 submissions from 2 submitters: Benign (1); Likely benign (1). Last evaluated 2025-11-18.

Conditions:
Telangiectasia, hereditary hemorrhagic, type 2 (HHT2). Also called: ACVRL1-Related Hereditary Hemorrhagic Telangiectasia; Telangiectasia, hereditary hemorrhagic, type II. Identifiers: Orphanet 774, MedGen C1838163, MONDO:0010880, OMIM 600376. Disease mechanism: loss of function.

Allele frequency attached by ClinVar (database versions not stated): gnomAD 0.00004 and 0.00007; TOPMed 0.00005; 1000 Genomes Project 30x 0.00031; gnomAD exomes 0.00036; 1000 Genomes Project 0.00040; ExAC 0.00047.

Submissions (2):

Labcorp Genetics (formerly Invitae), Labcorp
Classification: Benign for Telangiectasia, hereditary hemorrhagic, type 2. Last evaluated: 2025-11-18. Review status: criteria provided, single submitter. Criteria: Invitae Variant Classification Sherloc (09022015). Collection method: clinical testing. Allele origin: germline.

Illumina Laboratory Services, Illumina
Classification: Likely benign for Telangiectasia, hereditary hemorrhagic, type 2. Last evaluated: 2018-01-12. Review status: criteria provided, single submitter. Criteria: ICSL Variant Classification Criteria 13 December 2019. Collection method: clinical testing. Allele origin: germline.
Comment: This variant was observed in the ICSL laboratory as part of a predisposition screen in an ostensibly healthy population. It had not been previously curated by ICSL or reported in the Human Gene Mutation Database (HGMD: prior to June 1st, 2018), and was therefore a candidate for classification through an automated scoring system. Utilizing variant allele frequency, disease prevalence and penetrance estimates, and inheritance mode, an automated score was calculated to assess if this variant is too frequent to cause the disease. Based on the score and internal cut-off values, a variant classified as likely benign is not then subjected to further curation. The score for this variant resulted in a classification of likely benign for this disease.